The following is an entry in ClinVar:

ClinVar aggregate classification (germline): Likely benign (1 of 4 stars; one submission).

Conditions:
Familial cancer of breast. Also called: hereditary breast carcinoma; Hereditary breast cancer; BREAST CANCER, FAMILIAL. Identifiers: Orphanet 227535, MedGen C0346153, MONDO:0016419, OMIM 114480. Disease mechanism: loss of function.

Submission:

Myriad Genetics, Inc.
Classification: Likely benign for Familial cancer of breast. Last evaluated: 2024-09-04. Review status: criteria provided, single submitter. Criteria: Myriad Autosomal Dominant, Autosomal Recessive and X-Linked Classification Criteria (2023). Collection method: clinical testing. Allele origin: unknown.
Comment: This variant is considered likely benign. This variant is intronic and is not expected to impact mRNA splicing.

NM_032043.3(BRIP1):c.2380-20A>T

Gene: BRIP1 (BRCA1 interacting DNA helicase 1; minus strand). Cytogenetic location: 17q23.2.
Variant type: single nucleotide variant.
Coding change: c.2380-20A>T on transcript NM_032043.3 (MANE Select); 20 bases into the intron before coding-DNA position 2380, A replaced by T.
Molecular consequence: intron variant.
Genome position (GRCh38, 1-based): chr17:61,716,083, T>A on the plus strand (A>T on the coding strand, the complement: BRIP1 is on the minus strand). VCF-style: chr17-61716083-T-A. GRCh37 (hg19) VCF-style: chr17-59793444-T-A.
Identifiers: ClinVar variation 3379306 (VCV003379306.1).
Genomic context (GRCh38, chr17:61,716,083, plus strand): 5'-AATTTTGAATGGTGGTCATTGTATTGTCGTTTTAGTTCAACCTAATAATTTTAAAATATA[T>A]TTAAAAAATTAGTAGATAATTAAAGCTCATTTTAAACATCATATTAACTTCTAACAGTTT-3'